The following is an entry in ClinVar:

ClinVar aggregate classification (germline): Uncertain significance (1 of 4 stars; one submission).

Conditions:
Charcot-Marie-Tooth disease axonal type 2O. Also called: CHARCOT-MARIE-TOOTH NEUROPATHY, AXONAL, TYPE 2O; CHARCOT-MARIE-TOOTH DISEASE, AXONAL, AUTOSOMAL DOMINANT, TYPE 2O; Charcot-Marie-Tooth Neuropathy Type 2O; Charcot-Marie-Tooth disease, axonal, type 20. Identifiers: Orphanet 284232, MedGen C3280220, MONDO:0013644, OMIM 614228.

Allele frequency attached by ClinVar (database versions not stated): gnomAD exomes below 0.00001; TOPMed below 0.00001.

Submission:

Labcorp Genetics (formerly Invitae), Labcorp
Classification: Uncertain significance for Charcot-Marie-Tooth disease axonal type 2O. Last evaluated: 2023-09-14. Review status: criteria provided, single submitter. Criteria: Invitae Variant Classification Sherloc (09022015). Collection method: clinical testing. Allele origin: germline.
Comment: This sequence change replaces serine, which is neutral and polar, with leucine, which is neutral and non-polar, at codon 3298 of the DYNC1H1 protein (p.Ser3298Leu). This variant is not present in population databases (gnomAD no frequency). This variant has not been reported in the literature in individuals affected with DYNC1H1-related conditions. Advanced modeling of protein sequence and biophysical properties (such as structural, functional, and spatial information, amino acid conservation, physicochemical variation, residue mobility, and thermodynamic stability) performed at Invitae indicates that this missense variant is expected to disrupt DYNC1H1 protein function. In summary, the available evidence is currently insufficient to determine the role of this variant in disease. Therefore, it has been classified as a Variant of Uncertain Significance.

NM_001376.5(DYNC1H1):c.9893C>T (p.Ser3298Leu)

Gene: DYNC1H1 (dynein cytoplasmic 1 heavy chain 1; plus strand). Cytogenetic location: 14q32.31.
Variant type: single nucleotide variant.
Coding change: c.9893C>T on transcript NM_001376.5 (MANE Select); coding-DNA position 9893, C replaced by T.
Protein change: p.Ser3298Leu; replaces serine 3298 with leucine.
Molecular consequence: missense variant.
Genome position (GRCh38, 1-based): chr14:102,032,281, C>T. VCF-style: chr14-102032281-C-T. GRCh37 (hg19) VCF-style: chr14-102498618-C-T.
Other names: short protein forms S3298L.
Identifiers: ClinVar variation 2728689 (VCV002728689.3), dbSNP rs758961846, ClinGen allele CA266968467.